The following is an entry in ClinVar:

NM_000285.4(PEPD):c.394-2A>T

Gene: PEPD (peptidase D; minus strand). Cytogenetic location: 19q13.11.
Variant type: single nucleotide variant.
Coding change: c.394-2A>T on transcript NM_000285.4 (MANE Select); the canonical splice acceptor site of the intron before coding-DNA position 394, A replaced by T.
Molecular consequence: splice acceptor variant.
Genome position (GRCh38, 1-based): chr19:33,493,339, T>A on the plus strand (A>T on the coding strand, the complement: PEPD is on the minus strand). VCF-style: chr19-33493339-T-A. GRCh37 (hg19) VCF-style: chr19-33984245-T-A.
Other names: c.202-2A>T (NM_001166057.2); c.394-2A>T (NM_001166056.2).
Identifiers: ClinVar variation 3643642 (VCV003643642.2).

ClinVar aggregate classification (germline): Likely pathogenic (1 of 4 stars; one submission).

Submission:

Labcorp Genetics (formerly Invitae), Labcorp
Classification: Likely pathogenic. Last evaluated: 2024-03-12. Review status: criteria provided, single submitter. Criteria: Invitae Variant Classification Sherloc (09022015). Collection method: clinical testing. Allele origin: germline.
Comment: This sequence change affects an acceptor splice site in intron 4 of the PEPD gene. It is expected to disrupt RNA splicing. Variants that disrupt the donor or acceptor splice site typically lead to a loss of protein function (PMID: 16199547), and loss-of-function variants in PEPD are known to be pathogenic (PMID: 8198124, 10721675, 12384772, 17142620). This variant is not present in population databases (gnomAD no frequency). This variant has not been reported in the literature in individuals affected with PEPD-related conditions. Algorithms developed to predict the effect of sequence changes on RNA splicing suggest that this variant may disrupt the consensus splice site. In summary, the currently available evidence indicates that the variant is pathogenic, but additional data are needed to prove that conclusively. Therefore, this variant has been classified as Likely Pathogenic.

Literature cited by the submitters: PubMed 16199547; PubMed 8198124; PubMed 10721675; PubMed 12384772; PubMed 17142620.